The following is an entry in ClinVar:

ClinVar aggregate classification (germline): Uncertain significance (1 of 4 stars; one submission).

Conditions:
Inborn genetic diseases. Identifiers: MedGen C0950123, MeSH D030342.

gnomAD v4.1: 1 of 1,614,188 alleles (0.000062%); highest among the groups gnomAD compares: Non-Finnish European, 0.000085%; no homozygotes.

Submission:

Ambry Genetics
Classification: Uncertain significance for Inborn genetic diseases. Last evaluated: 2025-03-14. Review status: criteria provided, single submitter. Criteria: Ambry Variant Classification Scheme 2023. Collection method: clinical testing. Allele origin: germline.
Comment: The p.Y164H variant (also known as c.490T>C), located in coding exon 1 of the SAMD9 gene, results from a T to C substitution at nucleotide position 490. The tyrosine at codon 164 is replaced by histidine, an amino acid with similar properties. This amino acid position is conserved. In addition, this alteration is predicted to be tolerated by in silico analysis. Based on the available evidence, the clinical significance of this variant remains unclear.

NM_017654.4(SAMD9):c.490T>C (p.Tyr164His)

Gene: SAMD9 (sterile alpha motif domain containing 9; minus strand). Cytogenetic location: 7q21.2.
Variant type: single nucleotide variant.
Coding change: c.490T>C on transcript NM_017654.4 (MANE Select); coding-DNA position 490, T replaced by C.
Protein change: p.Tyr164His; replaces tyrosine 164 with histidine.
Molecular consequence: missense variant.
Genome position (GRCh38, 1-based): chr7:93,105,608, A>G on the plus strand (T>C on the coding strand, the complement: SAMD9 is on the minus strand). VCF-style: chr7-93105608-A-G. GRCh37 (hg19) VCF-style: chr7-92734921-A-G.
Other names: c.490T>C, p.Tyr164His (NM_001193307.2); short protein forms Y164H.
Identifiers: ClinVar variation 3792173 (VCV003792173.1).